The following is an entry in ClinVar:

ClinVar aggregate classification (germline): Uncertain significance (1 of 4 stars; one submission).

Conditions:
PLXNA4-related disorder. Also called: PLXNA4-related condition.

Submission:

PreventionGenetics, part of Exact Sciences
Classification: Uncertain significance for PLXNA4-related condition. Last evaluated: 2025-11-12. Review status: criteria provided, single submitter. Criteria: ACMG Guidelines, 2015. Collection method: clinical testing. Allele origin: germline.
Comment: The PLXNA4 c.302T>C variant is predicted to result in the amino acid substitution p.Val101Ala. To our knowledge, this variant has not been reported in the literature or in a large population database (gnomAD), indicating this variant is rare. At this time, the clinical significance of this variant is uncertain due to the absence of conclusive functional and genetic evidence.

NM_020911.2(PLXNA4):c.302T>C (p.Val101Ala)

Gene: PLXNA4 (plexin A4; minus strand). Cytogenetic location: 7q32.3.
Variant type: single nucleotide variant.
Coding change: c.302T>C on transcript NM_020911.2 (MANE Select); coding-DNA position 302, T replaced by C.
Protein change: p.Val101Ala; replaces valine 101 with alanine.
Molecular consequence: missense variant.
Genome position (GRCh38, 1-based): chr7:132,508,392, A>G on the plus strand (T>C on the coding strand, the complement: PLXNA4 is on the minus strand). VCF-style: chr7-132508392-A-G. GRCh37 (hg19) VCF-style: chr7-132193151-A-G.
Other names: c.302T>C, p.Val101Ala (NM_001105543.2, NM_001393897.1, NM_181775.4); short protein forms V101A.
Identifiers: ClinVar variation 4992739 (VCV004992739.1).